The following is an entry in ClinVar:

NM_138386.3(NAF1):c.1163G>A (p.Gly388Asp)

Gene: NAF1 (nuclear assembly factor 1 ribonucleoprotein; minus strand). Cytogenetic location: 4q32.2.
Variant type: single nucleotide variant.
Coding change: c.1163G>A on transcript NM_138386.3 (MANE Select); coding-DNA position 1163, G replaced by A.
Protein change: p.Gly388Asp; replaces glycine 388 with aspartic acid.
Molecular consequence: missense variant. On other transcripts: intron variant (1).
Genome position (GRCh38, 1-based): chr4:163,129,219, C>T on the plus strand (G>A on the coding strand, the complement: NAF1 is on the minus strand). VCF-style: chr4-163129219-C-T. GRCh37 (hg19) VCF-style: chr4-164050371-C-T.
Other names: c.1034-2104G>A (NM_001128931.2); c.1163G>A (NM_138386.2); short protein forms G388D.
Identifiers: ClinVar variation 2064251 (VCV002064251.5), dbSNP rs758438962, ClinGen allele CA3126154.
Genomic context (GRCh38, chr4:163,129,219, plus strand): 5'-CCTGAAGTCTCCTGAGATACCATATGTTCTGAGTTATAGAAATGCTGAGGTGGAGGCCTG[C>T]CATGGCAAGATCGAGGGTATCTGGCCCTGGAAAATCCTCGTGTGAATTCTCTGTTACGAT-3'
Protein context (NP_612395.2, residues 378-398): SRARYPRSCH[Gly388Asp]RPPPQHFYNS

ClinVar aggregate classification (germline): Uncertain significance. Review status: criteria provided, single submitter (1 of 4 stars). 2 submissions from 2 submitters: Uncertain significance (1). 1 of the submissions does not count toward it. Last evaluated 2025-12-30.

Conditions:
NAF1-related disorder. Also called: NAF1-related condition.

Allele frequency attached by ClinVar (database versions not stated): gnomAD 0.00004; gnomAD exomes 0.00007; TOPMed 0.00009; ExAC 0.00014.
gnomAD v4.1: 50 of 1,613,798 alleles (0.0031%); highest among the groups gnomAD compares: Admixed American, 0.082%; no homozygotes.

Submissions (2):

Labcorp Genetics (formerly Invitae), Labcorp
Classification: Uncertain significance. Last evaluated: 2025-12-30. Review status: criteria provided, single submitter. Criteria: Invitae Variant Classification Sherloc (09022015). Collection method: clinical testing. Allele origin: germline.
Comment: This sequence change replaces glycine, which is neutral and non-polar, with aspartic acid, which is acidic and polar, at codon 388 of the NAF1 protein (p.Gly388Asp). This variant is present in population databases (rs758438962, gnomAD 0.1%), and has an allele count higher than expected for a pathogenic variant. This variant has not been reported in the literature in individuals affected with NAF1-related conditions. ClinVar contains an entry for this variant (Variation ID: 2064251). An algorithm developed to predict the effect of missense changes on protein structure and function (PolyPhen-2) suggests that this variant is likely to be tolerated. In summary, the available evidence is currently insufficient to determine the role of this variant in disease. Therefore, it has been classified as a Variant of Uncertain Significance.

PreventionGenetics, part of Exact Sciences
Classification: Uncertain significance for NAF1-related condition. Last evaluated: 2024-07-24. Review status: no assertion criteria provided. Collection method: clinical testing. Allele origin: germline. Not counted in ClinVar's aggregate classification.
Comment: The NAF1 c.1163G>A variant is predicted to result in the amino acid substitution p.Gly388Asp. To our knowledge, this variant has not been reported in the literature. This variant is reported in 0.12% of alleles in individuals of Latino descent in gnomAD. Although we suspect that this variant may be benign, at this time, the clinical significance of this variant is uncertain due to the absence of conclusive functional and genetic evidence.